The following is an entry in ClinVar:

ClinVar aggregate classification (germline): Pathogenic. Review status: criteria provided, single submitter (1 of 4 stars). 3 submissions from 3 submitters: Pathogenic (1). 2 of the submissions do not count toward it. Last evaluated 2025-06-12.

Conditions:
Pulmonary hypertension, primary, 1 (PPH1). Also called: Pulmonary hypertension, familial primary, 1, with or without HHT. Identifiers: Orphanet 422, MedGen C4552070, MONDO:0024533, OMIM 178600.
Idiopathic and/or familial pulmonary arterial hypertension. Identifiers: Orphanet 422, MedGen C5679820, MONDO:0008347.
Pulmonary arterial hypertension. Identifiers: Orphanet 182090, MedGen C2973725, MeSH D000081029, MONDO:0015924, HP:0002092.

Submissions (3):

GeneDx
Classification: Pathogenic. Last evaluated: 2025-06-12. Review status: criteria provided, single submitter. Criteria: GeneDx Variant Classification Process June 2021. Collection method: clinical testing. Allele origin: germline. Affected: yes.
Comment: Nonsense variant predicted to result in protein truncation or nonsense mediated decay in a gene for which loss of function is a known mechanism of disease; Not observed at significant frequency in large population cohorts (gnomAD); This variant is associated with the following publications: (PMID: 25525159, 21801371, 15591269, 19324947, 31727138)

Rare Disease Genomics Group, St George's University of London
Classification: Pathogenic for Primary pulmonary hypertension. Review status: no assertion criteria provided. Collection method: literature only. Allele origin: germline. Affected: yes. Not counted in ClinVar's aggregate classification.

Wendy Chung Laboratory, Boston Children's Hospital
No classification provided. Condition: Idiopathic and/or familial pulmonary arterial hypertension. Review status: no classification provided. Collection method: literature only. Allele origin: germline. Affected: yes. Not counted in ClinVar's aggregate classification.

Literature cited by the submitters: PubMed 15591269 (cited by Rare Disease Genomics Group, St George's University of London); PubMed 21801371 (cited by Rare Disease Genomics Group, St George's University of London); PubMed 31727138 (cited by Wendy Chung Laboratory, Boston Children's Hospital).

NM_001204.7(BMPR2):c.1483C>T (p.Gln495Ter)

Gene: BMPR2 (bone morphogenetic protein receptor type 2; plus strand). Cytogenetic location: 2q33.2.
Variant type: single nucleotide variant.
Coding change: c.1483C>T on transcript NM_001204.7 (MANE Select); coding-DNA position 1483, C replaced by T.
Protein change: p.Gln495Ter; replaces glutamine 495 with a stop codon.
Molecular consequence: nonsense.
Genome position (GRCh38, 1-based): chr2:202,552,785, C>T. VCF-style: chr2-202552785-C-T. GRCh37 (hg19) VCF-style: chr2-203417508-C-T.
Other names: c.1483C>T, p.Q495* (LRG_712t1); short protein forms Q495*.
Identifiers: ClinVar variation 425952 (VCV000425952.5), dbSNP rs1085307360, ClinGen allele CA350344615.
Genomic context (GRCh38, chr2:202,552,785, plus strand): 5'-TCACTCAAGGAGACAATCGAAGACTGTTGGGACCAGGATGCAGAGGCTCGGCTTACTGCA[C>T]AGTGTGCTGAGGAAAGGATGGCTGAACTTATGATGATTTGGGAAAGAAACAAATCTGTGA-3'